The following is an entry in ClinVar:

NM_020964.3(EPG5):c.582del (p.Asn194fs)

Gene: EPG5 (ectopic P-granules 5 autophagy tethering factor; minus strand). Cytogenetic location: 18q21.1.
Variant type: Deletion.
Coding change: c.582del on transcript NM_020964.3 (MANE Select); coding-DNA position 582, one base deleted (T; older notation c.582delT).
Protein change: p.Asn194fs; shifts the reading frame from asparagine 194.
Molecular consequence: frameshift variant.
Genome position (GRCh38, 1-based): chr18:45,954,820, A deleted on the plus strand (T on the coding strand, the reverse complement: EPG5 is on the minus strand). VCF-style (leftmost placement, unchanged base first): chr18-45954819-CA-C. GRCh37 (hg19) VCF-style: chr18-43534785-CA-C.
Other names: c.582del, p.Asn194fs (NM_001410858.1, NM_001410859.1); short protein forms N194fs.
Identifiers: ClinVar variation 2854277 (VCV002854277.3), dbSNP rs2512127093, ClinGen allele CA2739268737.

ClinVar aggregate classification (germline): Pathogenic (1 of 4 stars; one submission).

Conditions:
Vici syndrome (VICIS). Identifiers: Orphanet 1493, MedGen C1855772, MONDO:0009452, OMIM 242840.

Submission:

Labcorp Genetics (formerly Invitae), Labcorp
Classification: Pathogenic for Vici syndrome. Last evaluated: 2023-04-09. Review status: criteria provided, single submitter. Criteria: Invitae Variant Classification Sherloc (09022015). Collection method: clinical testing. Allele origin: germline.
Comment: This variant has not been reported in the literature in individuals affected with EPG5-related conditions. This variant is not present in population databases (gnomAD no frequency). This sequence change creates a premature translational stop signal (p.Asn194Lysfs*19) in the EPG5 gene. It is expected to result in an absent or disrupted protein product. Loss-of-function variants in EPG5 are known to be pathogenic (PMID: 23222957, 23674064). For these reasons, this variant has been classified as Pathogenic.

Literature cited by the submitters: PubMed 23222957; PubMed 23674064.